The following is an entry in ClinVar:

ClinVar aggregate classification (germline): Conflicting classifications of pathogenicity. Review status: criteria provided, conflicting classifications (1 of 4 stars). 3 submissions from 3 submitters: Uncertain significance (1); Likely benign (2). Last evaluated 2025-05-19.

Conditions:
Hereditary cancer-predisposing syndrome. Also called: Neoplastic Syndromes, Hereditary; Hereditary Cancer Syndrome; Tumor predisposition; Hereditary neoplastic syndrome. Identifiers: Orphanet 140162, MedGen C0027672, MeSH D009386, MONDO:0015356.
Tuberous sclerosis 2 (TSC2). Identifiers: Orphanet 805, MedGen C1860707, MONDO:0013199, OMIM 613254.

gnomAD v4.1: 1 of 1,613,534 alleles (0.000062%); highest among the groups gnomAD compares: Non-Finnish European, 0.000085%; no homozygotes.

Submissions (3):

Myriad Genetics, Inc.
Classification: Likely benign for Tuberous sclerosis 2. Last evaluated: 2025-05-19. Review status: criteria provided, single submitter. Criteria: Myriad Autosomal Dominant, Autosomal Recessive and X-Linked Classification Criteria (2023). Collection method: clinical testing. Allele origin: unknown.
Comment: This variant is considered likely benign. This variant is intronic and is not expected to impact mRNA splicing.

Labcorp Genetics (formerly Invitae), Labcorp
Classification: Likely benign for Tuberous sclerosis 2. Last evaluated: 2025-03-05. Review status: criteria provided, single submitter. Criteria: Invitae Variant Classification Sherloc (09022015). Collection method: clinical testing. Allele origin: germline.

Sema4
Classification: Uncertain significance for Hereditary cancer-predisposing syndrome. Last evaluated: 2021-08-30. Review status: criteria provided, single submitter. Criteria: Sema4 Curation Guidelines. Collection method: curation. Allele origin: germline.
Comment: The TSC2 c.2221-10T>C variant has not been reported in the literature to our knowledge. It was not observed in the large and broad cohorts of the Genome Aggregation Database (PMID: 32461654). The variant has not been reported in ClinVar. In silico tools suggest that the variant may not have an impact on splicing, though these predictions have not been confirmed by functional studies. The evidence is insufficient to meet ACMG/AMP criteria for classifying the variant as benign or pathogenic. Thus, the clinical significance of this variant is currently uncertain.

NM_000548.5(TSC2):c.2221-10T>C

Gene: TSC2 (TSC complex subunit 2; plus strand). Cytogenetic location: 16p13.3.
Variant type: single nucleotide variant.
Coding change: c.2221-10T>C on transcript NM_000548.5 (MANE Select); 10 bases into the intron before coding-DNA position 2221, T replaced by C.
Molecular consequence: intron variant.
Genome position (GRCh38, 1-based): chr16:2,072,839, T>C. VCF-style: chr16-2072839-T-C. GRCh37 (hg19) VCF-style: chr16-2122840-T-C.
Other names: c.2221-10T>C (NM_001114382.3, NM_021055.3, NM_001370405.1 and 3 more transcripts); c.2110-10T>C (NM_001318827.2); c.1621-10T>C (NM_001318831.2); c.2074-10T>C (NM_001318829.2); c.2254-10T>C (NM_001318832.2).
Identifiers: ClinVar variation 1692483 (VCV001692483.4), dbSNP rs2151325875, ClinGen allele CA2573151609.